The following is an entry in ClinVar:

ClinVar aggregate classification (germline): Uncertain significance (1 of 4 stars; one submission).

Submission:

Labcorp Genetics (formerly Invitae), Labcorp
Classification: Uncertain significance. Last evaluated: 2023-11-13. Review status: criteria provided, single submitter. Criteria: Invitae Variant Classification Sherloc (09022015). Collection method: clinical testing. Allele origin: germline.
Comment: This sequence change replaces alanine, which is neutral and non-polar, with valine, which is neutral and non-polar, at codon 709 of the DCHS1 protein (p.Ala709Val). This variant is not present in population databases (gnomAD no frequency). This variant has not been reported in the literature in individuals affected with DCHS1-related conditions. Advanced modeling of protein sequence and biophysical properties (such as structural, functional, and spatial information, amino acid conservation, physicochemical variation, residue mobility, and thermodynamic stability) performed at Invitae indicates that this missense variant is not expected to disrupt DCHS1 protein function with a negative predictive value of 80%. In summary, the available evidence is currently insufficient to determine the role of this variant in disease. Therefore, it has been classified as a Variant of Uncertain Significance.

NM_003737.4(DCHS1):c.2126C>T (p.Ala709Val)

Gene: DCHS1 (dachsous cadherin-related 1; minus strand). Cytogenetic location: 11p15.4.
Variant type: single nucleotide variant.
Coding change: c.2126C>T on transcript NM_003737.4 (MANE Select); coding-DNA position 2126, C replaced by T.
Protein change: p.Ala709Val; replaces alanine 709 with valine.
Molecular consequence: missense variant.
Genome position (GRCh38, 1-based): chr11:6,633,881, G>A on the plus strand (C>T on the coding strand, the complement: DCHS1 is on the minus strand). VCF-style: chr11-6633881-G-A. GRCh37 (hg19) VCF-style: chr11-6655112-G-A.
Other names: short protein forms A709V.
Identifiers: ClinVar variation 2820142 (VCV002820142.3), dbSNP rs2493832376, ClinGen allele CA379423717.